The following is an entry in ClinVar:

NM_001048174.2(MUTYH):c.362A>G (p.Tyr121Cys)

Gene: MUTYH (mutY DNA glycosylase; minus strand). Cytogenetic location: 1p34.1.
Variant type: single nucleotide variant.
Coding change: c.362A>G on transcript NM_001048174.2 (MANE Select); coding-DNA position 362, A replaced by G.
Protein change: p.Tyr121Cys; replaces tyrosine 121 with cysteine.
Molecular consequence: missense variant. On other transcripts: non-coding transcript variant (1), intron variant (2).
Genome position (GRCh38, 1-based): chr1:45,333,113, T>C on the plus strand (A>G on the coding strand, the complement: MUTYH is on the minus strand). VCF-style: chr1-45333113-T-C. GRCh37 (hg19) VCF-style: chr1-45798785-T-C.
Other names: c.362A>G, p.Tyr121Cys (NM_001048171.2, NM_001048173.2, NM_001293195.2); c.365A>G, p.Tyr122Cys (NM_001048172.2); c.446A>G, p.Tyr149Cys (NM_001128425.2); c.407A>G, p.Tyr136Cys (NM_001293190.2); c.395A>G, p.Tyr132Cys (NM_001293191.2); c.86A>G, p.Tyr29Cys (NM_001293192.2, NM_001293196.2); c.437A>G, p.Tyr146Cys (NM_012222.3); c.34-154A>G (NM_001350651.2, NM_001350650.2); short protein forms Y149C, Y121C, Y132C, Y146C, Y122C, Y136C, Y29C.
Identifiers: ClinVar variation 464720 (VCV000464720.10), dbSNP rs1221837292, ClinGen allele CA340136096.

ClinVar aggregate classification (germline): Conflicting classifications of pathogenicity. Review status: criteria provided, conflicting classifications (1 of 4 stars). 3 submissions from 3 submitters: Likely pathogenic (1); Uncertain significance (2). Last evaluated 2025-08-15.

Conditions:
Hereditary cancer-predisposing syndrome. Also called: Neoplastic Syndromes, Hereditary; Tumor predisposition; Hereditary neoplastic syndrome; Hereditary Cancer Syndrome. Identifiers: Orphanet 140162, MedGen C0027672, MeSH D009386, MONDO:0015356.
Familial adenomatous polyposis 2. Also called: COLORECTAL ADENOMATOUS POLYPOSIS, AUTOSOMAL RECESSIVE; ADENOMAS, MULTIPLE COLORECTAL, AUTOSOMAL RECESSIVE; MUTYH-associated polyposis; FAP type 2; MUTYH-related attenuated familial adenomatous polyposis; Adenomas, multiple colorectal. Identifiers: Orphanet 220460, Orphanet 247798, MedGen C3272841, MONDO:0012041, OMIM 608456.

Allele frequency attached by ClinVar (database versions not stated): gnomAD exomes below 0.00001; TOPMed below 0.00001; gnomAD 0.00001.
gnomAD v4.1: 3 of 1,613,992 alleles (0.00019%); highest among the groups gnomAD compares: African/African-American, 0.0027%; no homozygotes.

Submissions (3):

Ambry Genetics
Classification: Likely pathogenic for Hereditary cancer-predisposing syndrome. Last evaluated: 2025-08-15. Review status: criteria provided, single submitter. Criteria: Ambry Variant Classification Scheme 2023. Collection method: clinical testing. Allele origin: germline.
Comment: The p.Y149C variant (also known as c.446A>G), located in coding exon 5 of the MUTYH gene, results from an A to G substitution at nucleotide position 446. The tyrosine at codon 149 is replaced by cysteine, an amino acid with highly dissimilar properties. In a massively parallel cell-based functional assay testing 7,8-dihydro-8-oxoguanine:adenine (8OG:A) repair activity, a byproduct of oxidative damage, this variant was reported to be non-functional (Hemker SL et al. Am J Hum Genet. Published online July 29, 2025. DOI: 10.1016/j.ajhg.2025.07.005). This amino acid position is highly conserved in available vertebrate species. In addition, this alteration is predicted to be deleterious by in silico analysis. This variant is considered to be rare based on population cohorts in the Genome Aggregation Database (gnomAD). Based on the majority of available evidence to date, this variant is likely to be pathogenic.

Labcorp Genetics (formerly Invitae), Labcorp
Classification: Uncertain significance for Familial adenomatous polyposis 2. Last evaluated: 2025-03-26. Review status: criteria provided, single submitter. Criteria: Invitae Variant Classification Sherloc (09022015). Collection method: clinical testing. Allele origin: germline.
Comment: This sequence change replaces tyrosine, which is neutral and polar, with cysteine, which is neutral and slightly polar, at codon 149 of the MUTYH protein (p.Tyr149Cys). This variant is not present in population databases (gnomAD no frequency). This variant has not been reported in the literature in individuals affected with MUTYH-related conditions. ClinVar contains an entry for this variant (Variation ID: 464720). An algorithm developed to predict the effect of missense changes on protein structure and function (PolyPhen-2) suggests that this variant is likely to be disruptive. In summary, the available evidence is currently insufficient to determine the role of this variant in disease. Therefore, it has been classified as a Variant of Uncertain Significance.

Color Diagnostics, LLC DBA Color Health
Classification: Uncertain significance for Hereditary cancer-predisposing syndrome. Last evaluated: 2023-12-04. Review status: criteria provided, single submitter. Criteria: ACMG Guidelines, 2015. Collection method: clinical testing. Allele origin: germline.
Comment: This missense variant replaces tyrosine with cysteine at codon 149 of the MUTYH protein. Computational prediction suggests that this variant may have deleterious impact on protein structure and function (internally defined REVEL score threshold >= 0.7, PMID: 27666373). To our knowledge, functional studies have not been reported for this variant. This variant has not been reported in individuals affected with MUTYH-related disorders in the literature. This variant has not been identified in the general population by the Genome Aggregation Database (gnomAD). The available evidence is insufficient to determine the role of this variant in disease conclusively. Therefore, this variant is classified as a Variant of Uncertain Significance.

Literature cited by the submitters: PubMed 40738107 (cited by Ambry Genetics).